The following is an entry in ClinVar:

ClinVar aggregate classification (germline): Uncertain significance (1 of 4 stars; one submission).

Allele frequency attached by ClinVar (database versions not stated): gnomAD 0.00004; gnomAD exomes 0.00004; ExAC 0.00005; 1000 Genomes Project 0.00040; 1000 Genomes Project 30x 0.00062.
gnomAD v4.1: 57 of 1,614,208 alleles (0.0035%); highest among the groups gnomAD compares: Non-Finnish European, 0.0047%; no homozygotes.

Submission:

Labcorp Genetics (formerly Invitae), Labcorp
Classification: Uncertain significance. Last evaluated: 2025-01-13. Review status: criteria provided, single submitter. Criteria: Invitae Variant Classification Sherloc (09022015). Collection method: clinical testing. Allele origin: germline.
Comment: This sequence change replaces valine, which is neutral and non-polar, with isoleucine, which is neutral and non-polar, at codon 422 of the BRD4 protein (p.Val422Ile). This variant is present in population databases (rs182685268, gnomAD 0.009%). This variant has not been reported in the literature in individuals affected with BRD4-related conditions. ClinVar contains an entry for this variant (Variation ID: 1982693). Invitae Evidence Modeling of protein sequence and biophysical properties (such as structural, functional, and spatial information, amino acid conservation, physicochemical variation, residue mobility, and thermodynamic stability) indicates that this missense variant is not expected to disrupt BRD4 protein function with a negative predictive value of 80%. In summary, the available evidence is currently insufficient to determine the role of this variant in disease. Therefore, it has been classified as a Variant of Uncertain Significance.

NM_001379291.1(BRD4):c.1264G>A (p.Val422Ile)

Gene: BRD4 (bromodomain containing 4; minus strand). Cytogenetic location: 19p13.12.
Variant type: single nucleotide variant.
Coding change: c.1264G>A on transcript NM_001379291.1 (MANE Select); coding-DNA position 1264, G replaced by A.
Protein change: p.Val422Ile; replaces valine 422 with isoleucine.
Molecular consequence: missense variant.
Genome position (GRCh38, 1-based): chr19:15,263,497, C>T on the plus strand (G>A on the coding strand, the complement: BRD4 is on the minus strand). VCF-style: chr19-15263497-C-T. GRCh37 (hg19) VCF-style: chr19-15374308-C-T.
Other names: c.1264G>A, p.Val422Ile (NM_001330384.2, NM_001379292.1, NM_014299.3 and 1 more transcripts); short protein forms V422I.
Identifiers: ClinVar variation 1982693 (VCV001982693.4), dbSNP rs182685268, ClinGen allele CA9265414.
Genomic context (GRCh38, chr19:15,263,497, plus strand): 5'-TGGCCACCACCTCATGGTCAGGAGGGTTGTACTTATAGCAGTTGGAGAACATCAATCGGA[C>T]GTCAGCACCAAACTCCTGAGCATCACGGTACTCACGGGCCTCCAGTTTAGACTGGAAAAC-3'
Protein context (NP_001366220.1, residues 412-432): YRDAQEFGAD[Val422Ile]RLMFSNCYKY